The following is an entry in ClinVar:

ClinVar aggregate classification (germline): Pathogenic/Likely pathogenic. Review status: criteria provided, multiple submitters, no conflicts (2 of 4 stars). 7 submissions from 7 submitters: Pathogenic (3); Likely pathogenic (4). Last evaluated 2026-07-22.

Conditions:
Rare genetic deafness. Identifiers: Orphanet 96210, MedGen C5680250.
Autosomal recessive nonsyndromic hearing loss 48. Also called: Deafness, autosomal recessive 48; Usher Syndrome Type 1J. Identifiers: Orphanet 231169, Orphanet 886, Orphanet 90636, MedGen C1836199, MONDO:0012273, OMIM 609439.
CIB2-related disorders.
CIB2-related disorder. Also called: CIB2-related condition.

Allele frequency attached by ClinVar (database versions not stated): gnomAD exomes 0.00006 and 0.00009; gnomAD 0.00003; TOPMed 0.00003; ExAC 0.00004.

Submissions (7):

GeneDx
Classification: Likely pathogenic. Last evaluated: 2026-07-22. Review status: criteria provided, single submitter. Criteria: GeneDx Variant Classification Process June 2021. Collection method: clinical testing. Allele origin: germline.
Comment: Frameshift variant predicted to result in protein truncation or nonsense mediated decay in a gene for which loss of function is a known mechanism of disease; This variant is associated with the following publications: (PMID: 31589614, 34948090, 31964843, 29112224)

PreventionGenetics, part of Exact Sciences
Classification: Likely pathogenic for CIB2-related condition. Last evaluated: 2026-07-13. Review status: criteria provided, single submitter. Criteria: ACMG Guidelines, 2015. Collection method: clinical testing. Allele origin: germline.
Comment: The CIB2 c.300_309del10 variant is predicted to result in a frameshift and premature protein termination (p.Glu100Aspfs*28). This variant was reported in the compound heterozygous state in a patient with nonsyndromic hearing loss (Booth et al. 2018. PubMed ID: 29112224). This variant is reported in 0.012% of alleles in individuals of European (Non-Finnish) descent in gnomAD. Frameshift variants in CIB2 are expected to be pathogenic. This variant is interpreted as likely pathogenic.

Women's Health and Genetics/Laboratory Corporation of America, LabCorp
Classification: Pathogenic for Autosomal recessive nonsyndromic hearing loss 48. Last evaluated: 2026-03-10. Review status: criteria provided, single submitter. Criteria: LabCorp Variant Classification Summary - May 2015. Collection method: clinical testing. Allele origin: germline.
Comment: Variant summary: CIB2 c.300_309del10 (p.Glu100AspfsX28) results in a premature termination codon, predicted to cause a truncation of the encoded protein or absence of the protein due to nonsense mediated decay, which are commonly known mechanisms for disease. The variant allele was found at a frequency of 5.6e-05 in 251222 control chromosomes. This frequency is not significantly higher than estimated for disease-causing variants in CIB2, allowing no conclusion about variant significance. c.300_309del10 has been observed in at least one compound heterozygous individual affected with Autosomal Recessive Nonsyndromic Hearing Loss 48 (e.g. Booth_2018). To our knowledge, no experimental evidence demonstrating an impact on protein function has been reported. The following publication has been ascertained in the context of this evaluation (PMID: 29112224). ClinVar contains an entry for this variant (Variation ID: 505395). Based on the evidence outlined above, the variant was classified as pathogenic.

Labcorp Genetics (formerly Invitae), Labcorp
Classification: Pathogenic. Last evaluated: 2025-12-14. Review status: criteria provided, single submitter. Criteria: Invitae Variant Classification Sherloc (09022015). Collection method: clinical testing. Allele origin: germline.
Comment: This sequence change creates a premature translational stop signal (p.Glu100Aspfs*28) in the CIB2 gene. It is expected to result in an absent or disrupted protein product. Loss-of-function variants in CIB2 are known to be pathogenic (PMID: 26173970, 26226137, 26445815). This variant is present in population databases (rs765741202, gnomAD 0.01%). This premature translational stop signal has been observed in individual(s) with autosomal recessive deafness (PMID: 29112224). ClinVar contains an entry for this variant (Variation ID: 505395). For these reasons, this variant has been classified as Pathogenic.

Fulgent Genetics
Classification: Likely pathogenic for Autosomal recessive nonsyndromic hearing loss 48. Last evaluated: 2021-08-06. Review status: criteria provided, single submitter. Criteria: ACMG Guidelines, 2015. Collection method: clinical testing. Allele origin: unknown.

Blueprint Genetics
Classification: Likely pathogenic for CIB2-related disorders. Last evaluated: 2021-03-24. Review status: criteria provided, single submitter. Criteria: ACMG Guidelines, 2015. Collection method: clinical testing. Allele origin: germline. Affected: yes. Observed: 5 variant alleles.

Laboratory for Molecular Medicine, Mass General Brigham Personalized Medicine
Classification: Pathogenic for Rare genetic deafness. Last evaluated: 2019-08-28. Review status: criteria provided, single submitter. Criteria: LMM Criteria. Collection method: clinical testing. Allele origin: germline. Inheritance: Autosomal recessive inheritance. Observed: 2 variant alleles.

Literature cited by the submitters: PubMed 29112224 (cited by 3 submitters); PubMed 26173970 (cited by Labcorp Genetics (formerly Invitae), Labcorp); PubMed 26226137 (cited by Labcorp Genetics (formerly Invitae), Labcorp); PubMed 26445815 (cited by Labcorp Genetics (formerly Invitae), Labcorp).

NM_006383.4(CIB2):c.300_309del (p.Glu100fs)

Gene: CIB2 (calcium and integrin binding family member 2; minus strand). Cytogenetic location: 15q25.1.
Variant type: Deletion.
Coding change: c.300_309del on transcript NM_006383.4 (MANE Select); coding-DNA positions 300 to 309, 10 bases deleted (GTCGGCTCCC; older notation c.300_309delGTCGGCTCCC).
Protein change: p.Glu100fs; shifts the reading frame from glutamic acid 100.
Molecular consequence: frameshift variant. On other transcripts: non-coding transcript variant (1).
Genome position (GRCh38, 1-based): chr15:78,109,272-78,109,281, GGGAGCCGAC deleted on the plus strand (GTCGGCTCCC on the coding strand, the reverse complement: CIB2 is on the minus strand). VCF-style (leftmost placement, unchanged base first): chr15-78109271-GGGGAGCCGAC-G. GRCh37 (hg19) VCF-style: chr15-78401613-GGGGAGCCGAC-G.
Other names: c.300_309delGTCGGCTCCC (NM_006383.3); c.171_180del, p.Glu57fs (NM_001271888.2); c.153_162del, p.Glu51fs (NM_001271889.2); c.315_324del, p.Glu105fs (NM_001301224.2); c.300_309del10 (NM_006383.4); short protein forms E105fs, E100fs, E57fs, E51fs.
Identifiers: ClinVar variation 505395 (VCV000505395.21), dbSNP rs765741202, ClinGen allele CA7680238.